The following is an entry in ClinVar:

ClinVar aggregate classification (germline): Likely benign. Review status: criteria provided, multiple submitters, no conflicts (2 of 4 stars). 3 submissions from 3 submitters: Likely benign (3). Last evaluated 2026-05-22.

Conditions:
NECTIN4-related disorder. Also called: NECTIN4-related condition.

gnomAD v4.1: 41 of 1,614,058 alleles (0.0025%); highest among the groups gnomAD compares: Admixed American, 0.017%; no homozygotes.

Submissions (3):

PreventionGenetics, part of Exact Sciences
Classification: Likely benign for NECTIN4-related condition. Last evaluated: 2026-05-22. Review status: criteria provided, single submitter. Criteria: ACMG Guidelines, 2015. Collection method: clinical testing. Allele origin: germline.
Comment: This variant is classified as likely benign based on ACMG/AMP sequence variant interpretation guidelines (Richards et al. 2015 PMID: 25741868, with internal and published modifications).

Labcorp Genetics (formerly Invitae), Labcorp
Classification: Likely benign. Last evaluated: 2024-11-30. Review status: criteria provided, single submitter. Criteria: Invitae Variant Classification Sherloc (09022015). Collection method: clinical testing. Allele origin: germline.

Blueprint Genetics
Classification: Likely benign. Last evaluated: 2024-11-20. Review status: criteria provided, single submitter. Criteria: ACMG Guidelines, 2015. Collection method: clinical testing. Allele origin: germline.

NM_030916.3(NECTIN4):c.684T>C (p.Pro228=)

Gene: NECTIN4 (nectin cell adhesion molecule 4; minus strand). Cytogenetic location: 1q23.3.
Variant type: single nucleotide variant.
Coding change: c.684T>C on transcript NM_030916.3 (MANE Select); coding-DNA position 684, T replaced by C.
Protein change: p.Pro228=; no amino-acid change (proline 228 retained).
Molecular consequence: synonymous variant.
Genome position (GRCh38, 1-based): chr1:161,077,499, A>G on the plus strand (T>C on the coding strand, the complement: NECTIN4 is on the minus strand). VCF-style: chr1-161077499-A-G. GRCh37 (hg19) VCF-style: chr1-161047289-A-G.
Other names: c.684T>C (NM_030916.2).
Identifiers: ClinVar variation 3706539 (VCV003706539.4).
Genomic context (GRCh38, chr1:161,077,499, plus strand): 5'-ATCCAAGTACTTACAGGACACGTGGAGGATGTGGGTGATCCTTTGGTCCTGGAGCAGGCC[A>G]GGATGGGACACCACACAAGTCAGTGGCTGCCCATTCATGCTGCGGCTAGGCACCAAGTGG-3'
Protein context (NP_112178.2, residues 218-238): GQPLTCVVSH[Pro228=]GLLQDQRITH